The following is an entry in ClinVar:

NM_000218.3(KCNQ1):c.200_210del (p.Pro67fs)

Gene: KCNQ1 (potassium voltage-gated channel subfamily Q member 1; plus strand). Cytogenetic location: 11p15.5.
Variant type: Deletion.
Coding change: c.200_210del on transcript NM_000218.3 (MANE Select); coding-DNA positions 200 to 210, 11 bases deleted (CGGCCGCGCCC).
Protein change: p.Pro67fs; shifts the reading frame from proline 67.
Molecular consequence: frameshift variant.
Genome position (GRCh38, 1-based): chr11:2,445,298-2,445,308, CGGCCGCGCCC deleted; deleting any 11 consecutive bases within chr11:2,445,295-2,445,308 gives the same sequence; the c. name uses the placement nearest the transcript's 3' end. VCF-style (leftmost placement, unchanged base first): chr11-2445294-TCCCCGGCCGCG-T. GRCh37 (hg19) VCF-style: chr11-2466524-TCCCCGGCCGCG-T.
Other names: c.200_210delCGGCCGCGCCC (NM_000218.2); c.197_207del (NM_000218.2); short protein forms P67fs.
Identifiers: ClinVar variation 449221 (VCV000449221.25), dbSNP rs1435990592, ClinGen allele CA658656109.

ClinVar aggregate classification (germline): Pathogenic/Likely pathogenic. Review status: criteria provided, multiple submitters, no conflicts (2 of 4 stars). 10 submissions from 10 submitters: Pathogenic (7); Likely pathogenic (2). 1 of the submissions does not count toward it. Last evaluated 2025-07-23.

Conditions:
KCNQ1-related disorder. Also called: KCNQ1-related condition; KCNQ1-related disorders. Identifiers: MedGen CN239322.
Cardiovascular phenotype. Identifiers: MedGen CN230736.
Long QT syndrome (LQTS). Identifiers: MedGen C0023976, MeSH D008133, MONDO:0002442. Disease mechanism: loss of function. Inheritance: Various modes of inheritance.
Long QT syndrome 1 (LQT1). Identifiers: Orphanet 101016, Orphanet 768, MedGen C4551647, MONDO:0100316, OMIM 192500, MONDO:0008646.
Atrial fibrillation, familial, 3 (ATFB3). Identifiers: MedGen C1837014, MONDO:0011857, OMIM 607554.
Beckwith-Wiedemann syndrome (BWS). Also called: EMG SYNDROME; Exomphalos macroglossia gigantism syndrome. Identifiers: Orphanet 116, MedGen C0004903, MONDO:0007534, OMIM 130650.
Short QT syndrome type 2. Identifiers: Orphanet 51083, MedGen C1865019, MONDO:0012313, OMIM 609621.
Jervell and Lange-Nielsen syndrome 1 (JLNS1). Also called: PROLONGED QT INTERVAL IN EKG AND SUDDEN DEATH; SURDO-CARDIAC SYNDROME; CARDIOAUDITORY SYNDROME OF JERVELL AND LANGE-NIELSEN; DEAFNESS, CONGENITAL, AND FUNCTIONAL HEART DISEASE. Identifiers: Orphanet 768, Orphanet 90647, MedGen C4551509, MONDO:0024540, OMIM 220400.

Submissions (10):

GeneDx
Classification: Pathogenic. Last evaluated: 2025-07-23. Review status: criteria provided, single submitter. Criteria: GeneDx Variant Classification Process June 2021. Collection method: clinical testing. Allele origin: germline. Affected: yes.
Comment: Identified in patients with Long QT syndrome referred for testing at GeneDx and in the published literature (PMID: 19716085); Frameshift variant predicted to result in protein truncation or nonsense mediated decay in a gene for which loss of function is a known mechanism of disease; Not observed at significant frequency in large population cohorts (gnomAD); This variant is associated with the following publications: (PMID: 19716085)

Labcorp Genetics (formerly Invitae), Labcorp
Classification: Pathogenic for Long QT syndrome. Last evaluated: 2025-06-24. Review status: criteria provided, single submitter. Criteria: Invitae Variant Classification Sherloc (09022015). Collection method: clinical testing. Allele origin: germline.
Comment: This sequence change creates a premature translational stop signal (p.Pro67Argfs*214) in the KCNQ1 gene. It is expected to result in an absent or disrupted protein product. Loss-of-function variants in KCNQ1 are known to be pathogenic (PMID: 9323054, 19862833). This variant is not present in population databases (gnomAD no frequency). This premature translational stop signal has been observed in individual(s) with long QT syndrome (PMID: 19716085). ClinVar contains an entry for this variant (Variation ID: 449221). For these reasons, this variant has been classified as Pathogenic.

Ambry Genetics
Classification: Pathogenic for Cardiovascular phenotype. Last evaluated: 2025-06-13. Review status: criteria provided, single submitter. Criteria: Ambry Variant Classification Scheme 2023. Collection method: clinical testing. Allele origin: germline.
Comment: The c.200_210del11 pathogenic mutation, located in coding exon 1 of the KCNQ1 gene, results from a deletion of 11 nucleotides at nucleotide positions 200 to 210, causing a translational frameshift with a predicted alternate stop codon (p.P67Rfs*214). This variant (also described as S66fs+213X) was reported in individual(s) with features consistent with long QT syndrome (Kapplinger JD et al. Heart Rhythm, 2009 Sep;6:1297-303; Ambry internal data). This variant is considered to be rare based on population cohorts in the Genome Aggregation Database (gnomAD). This alteration is expected to result in loss of function by premature protein truncation or nonsense-mediated mRNA decay. As such, this alteration is interpreted as a disease-causing mutation.

Molecular Genetics Laboratory - Cardiogenetics, CHU de Nantes
Classification: Pathogenic for Long QT syndrome 1. Last evaluated: 2023-08-01. Review status: criteria provided, single submitter. Criteria: ACMG Guidelines, 2015. Collection method: clinical testing. Allele origin: germline. Affected: yes.

AiLife Diagnostics
Classification: Pathogenic. Last evaluated: 2021-12-30. Review status: criteria provided, single submitter. Criteria: ACMG Guidelines, 2015. Collection method: clinical testing. Allele origin: germline. Affected: yes. Observed: 1 variant allele.

Blueprint Genetics
Classification: Likely pathogenic for KCNQ1-related disorders. Last evaluated: 2021-12-21. Review status: criteria provided, single submitter. Criteria: ACMG Guidelines, 2015. Collection method: clinical testing. Allele origin: germline. Affected: yes. Observed: 1 variant allele.

Fulgent Genetics
Classification: Likely pathogenic for Beckwith-Wiedemann syndrome; Long QT syndrome 1; Jervell and Lange-Nielsen syndrome 1; Atrial fibrillation, familial, 3; Short QT syndrome type 2. Last evaluated: 2021-12-05. Review status: criteria provided, single submitter. Criteria: ACMG Guidelines, 2015. Collection method: clinical testing. Allele origin: unknown.

Stanford Center for Inherited Cardiovascular Disease, Stanford University
Classification: Pathogenic. Last evaluated: 2016-10-12. Review status: criteria provided, single submitter. Criteria: ACMG Guidelines, 2015. Collection method: provider interpretation. Allele origin: germline.

Clinical Genetics Service, Universitary Hospital 12 de Octubre
Classification: Pathogenic for Long QT syndrome 1. Review status: criteria provided, single submitter. Criteria: ACMG Guidelines, 2015. Collection method: clinical testing. Allele origin: germline. Affected: yes.

PreventionGenetics, part of Exact Sciences
Classification: Pathogenic for KCNQ1-related condition. Last evaluated: 2024-01-26. Review status: no assertion criteria provided. Collection method: clinical testing. Allele origin: germline. Not counted in ClinVar's aggregate classification.
Comment: The KCNQ1 c.200_210del11 variant is predicted to result in a frameshift and premature protein termination (p.Pro67Argfs*214). This variant has been reported to be causative for long QT syndrome (described as 200_210delCGGCCGCGCCC (S66fs+213X) in Table S1, Kapplinger et al. 2009. PubMed ID: 19716085). This variant has not been reported in a large population database, indicating this variant is rare. Frameshift variants in KCNQ1 are expected to be pathogenic. This variant is interpreted as pathogenic.

Literature cited by the submitters: PubMed 9323054 (cited by Labcorp Genetics (formerly Invitae), Labcorp); PubMed 19862833 (cited by Labcorp Genetics (formerly Invitae), Labcorp); PubMed 19716085 (cited by 3 submitters).